The following is an entry in ClinVar:

NM_020461.4(TUBGCP6):c.2795C>T (p.Ser932Leu)

Gene: TUBGCP6 (tubulin gamma complex component 6; minus strand). Cytogenetic location: 22q13.33.
Variant type: single nucleotide variant.
Coding change: c.2795C>T on transcript NM_020461.4 (MANE Select); coding-DNA position 2795, C replaced by T.
Protein change: p.Ser932Leu; replaces serine 932 with leucine.
Molecular consequence: missense variant.
Genome position (GRCh38, 1-based): chr22:50,221,564, G>A on the plus strand (C>T on the coding strand, the complement: TUBGCP6 is on the minus strand). VCF-style: chr22-50221564-G-A. GRCh37 (hg19) VCF-style: chr22-50659993-G-A.
Other names: short protein forms S932L.
Identifiers: ClinVar variation 857831 (VCV000857831.7), dbSNP rs775980514, ClinGen allele CA10308111.

ClinVar aggregate classification (germline): Uncertain significance (1 of 4 stars; one submission).

Allele frequency attached by ClinVar (database versions not stated): gnomAD below 0.00001 and 0.00001; gnomAD exomes 0.00001 and 0.00002; TOPMed 0.00001; ExAC 0.00005.
gnomAD v4.1: 21 of 1,587,684 alleles (0.0013%); highest among the groups gnomAD compares: South Asian, 0.018%; 1 homozygote.

Submission:

Labcorp Genetics (formerly Invitae), Labcorp
Classification: Uncertain significance. Last evaluated: 2025-04-21. Review status: criteria provided, single submitter. Criteria: Invitae Variant Classification Sherloc (09022015). Collection method: clinical testing. Allele origin: germline.
Comment: This sequence change replaces serine, which is neutral and polar, with leucine, which is neutral and non-polar, at codon 932 of the TUBGCP6 protein (p.Ser932Leu). This variant is present in population databases (rs775980514, gnomAD 0.007%). This variant has not been reported in the literature in individuals affected with TUBGCP6-related conditions. ClinVar contains an entry for this variant (Variation ID: 857831). An algorithm developed to predict the effect of missense changes on protein structure and function outputs the following: PolyPhen-2: "Benign". The leucine amino acid residue is found in multiple mammalian species, which suggests that this missense change does not adversely affect protein function. In summary, the available evidence is currently insufficient to determine the role of this variant in disease. Therefore, it has been classified as a Variant of Uncertain Significance.